The following is an entry in ClinVar:

ClinVar aggregate classification (germline): Uncertain significance (1 of 4 stars; one submission).

Conditions:
Short-rib thoracic dysplasia 13 with or without polydactyly (SRTD13). Identifiers: Orphanet 474, MedGen C4225378, MONDO:0014577, OMIM 616300.

Submission:

Labcorp Genetics (formerly Invitae), Labcorp
Classification: Uncertain significance for Short-rib thoracic dysplasia 13 with or without polydactyly. Last evaluated: 2025-06-09. Review status: criteria provided, single submitter. Criteria: Invitae Variant Classification Sherloc (09022015). Collection method: clinical testing. Allele origin: germline.
Comment: This sequence change replaces glycine, which is neutral and non-polar, with glutamic acid, which is acidic and polar, at codon 281 of the CEP120 protein (p.Gly281Glu). This variant is not present in population databases (gnomAD no frequency). This variant has not been reported in the literature in individuals affected with CEP120-related conditions. ClinVar contains an entry for this variant (Variation ID: 2104386). Invitae Evidence Modeling of protein sequence and biophysical properties (such as structural, functional, and spatial information, amino acid conservation, physicochemical variation, residue mobility, and thermodynamic stability) indicates that this missense variant is expected to disrupt CEP120 protein function with a positive predictive value of 80%. In summary, the available evidence is currently insufficient to determine the role of this variant in disease. Therefore, it has been classified as a Variant of Uncertain Significance.

NM_001375405.1(CEP120):c.842G>A (p.Gly281Glu)

Gene: CEP120 (centrosomal protein 120; minus strand). Cytogenetic location: 5q23.2.
Variant type: single nucleotide variant.
Coding change: c.842G>A on transcript NM_001375405.1 (MANE Select); coding-DNA position 842, G replaced by A.
Protein change: p.Gly281Glu; replaces glycine 281 with glutamic acid.
Molecular consequence: missense variant. On other transcripts: non-coding transcript variant (1).
Genome position (GRCh38, 1-based): chr5:123,391,306, C>T on the plus strand (G>A on the coding strand, the complement: CEP120 is on the minus strand). VCF-style: chr5-123391306-C-T. GRCh37 (hg19) VCF-style: chr5-122727000-C-T.
Other names: c.764G>A, p.Gly255Glu (NM_001166226.2); c.842G>A, p.Gly281Glu (NM_001375406.1, NM_001375407.1, NM_153223.4); c.269G>A, p.Gly90Glu (NM_001375408.1, NM_001375409.1); short protein forms G255E, G281E, G90E.
Identifiers: ClinVar variation 2104386 (VCV002104386.4), dbSNP rs2479350847, ClinGen allele CA360892219.
Genomic context (GRCh38, chr5:123,391,306, plus strand): 5'-TGCTGGTTGATTTCTGTACTGCCCTTTTTAAGTAATCCAGTTAAAGGTATTTCTGTACTT[C>T]CAAGTGACTGGTCTCCACAGCAGAGGTGAATCTAATATGAAAGGGAAAAATCAAAATAGG-3'
Protein context (NP_001362334.1, residues 271-291): IHLCCGDQSL[Gly281Glu]STEIPLTGLL